The following is an entry in ClinVar:

NM_198578.4(LRRK2):c.6796G>A (p.Gly2266Arg)

Gene: LRRK2 (leucine rich repeat kinase 2; plus strand). Cytogenetic location: 12q12.
Variant type: single nucleotide variant.
Coding change: c.6796G>A on transcript NM_198578.4 (MANE Select); coding-DNA position 6796, G replaced by A.
Protein change: p.Gly2266Arg; replaces glycine 2266 with arginine.
Molecular consequence: missense variant.
Genome position (GRCh38, 1-based): chr12:40,356,140, G>A. VCF-style: chr12-40356140-G-A. GRCh37 (hg19) VCF-style: chr12-40749942-G-A.
Other names: short protein forms G2266R.
Identifiers: ClinVar variation 1755473 (VCV001755473.2), dbSNP rs769546832, ClinGen allele CA6514765.

ClinVar aggregate classification (germline): Uncertain significance (1 of 4 stars; one submission).

Conditions:
Inborn genetic diseases. Identifiers: MedGen C0950123, MeSH D030342.

Allele frequency attached by ClinVar (database versions not stated): ExAC 0.00001; gnomAD exomes 0.00001.
gnomAD v4.1: 3 of 1,612,224 alleles (0.00019%); highest among the groups gnomAD compares: South Asian, 0.0033%; no homozygotes.

Submission:

Ambry Genetics
Classification: Uncertain significance for Inborn genetic diseases. Last evaluated: 2022-06-23. Review status: criteria provided, single submitter. Criteria: Ambry Variant Classification Scheme 2023. Collection method: clinical testing. Allele origin: germline.
Comment: The p.G2266R variant (also known as c.6796G>A), located in coding exon 46 of the LRRK2 gene, results from a G to A substitution at nucleotide position 6796. The glycine at codon 2266 is replaced by arginine, an amino acid with dissimilar properties. This amino acid position is conserved. In addition, the in silico prediction for this alteration is inconclusive. Since supporting evidence is limited at this time, the clinical significance of this alteration remains unclear.